The following is an entry in ClinVar:

ClinVar aggregate classification (germline): Uncertain significance (1 of 4 stars; one submission).

Conditions:
Camptomelic dysplasia (CMPD). Also called: CMPD1/SRA1; Campomelic Dysplasia. Identifiers: Orphanet 140, MedGen C1861922, MONDO:0007251, OMIM 114290.

Allele frequency attached by ClinVar (database versions not stated): ExAC 0.00003.

Submission:

Labcorp Genetics (formerly Invitae), Labcorp
Classification: Uncertain significance for Camptomelic dysplasia. Last evaluated: 2022-06-25. Review status: criteria provided, single submitter. Criteria: Invitae Variant Classification Sherloc (09022015). Collection method: clinical testing. Allele origin: germline.
Comment: This variant is present in population databases (rs768210143, gnomAD 0.01%). This sequence change replaces aspartic acid, which is acidic and polar, with glutamic acid, which is acidic and polar, at codon 5 of the SOX9 protein (p.Asp5Glu). This variant has not been reported in the literature in individuals affected with SOX9-related conditions. In summary, the available evidence is currently insufficient to determine the role of this variant in disease. Therefore, it has been classified as a Variant of Uncertain Significance. Algorithms developed to predict the effect of missense changes on protein structure and function are either unavailable or do not agree on the potential impact of this missense change (SIFT: "Tolerated"; PolyPhen-2: "Probably Damaging"; Align-GVGD: "Class C0").

NM_000346.4(SOX9):c.15C>G (p.Asp5Glu)

Genes: SOX9 (SRY-box transcription factor 9; plus strand), LOC108021846 (SOX9 promoter region; plus strand). Cytogenetic location: 17q24.3.
Variant type: single nucleotide variant.
Coding change: c.15C>G on transcript NM_000346.4 (MANE Select); coding-DNA position 15, C replaced by G.
Protein change: p.Asp5Glu; replaces aspartic acid 5 with glutamic acid.
Molecular consequence: missense variant.
Genome position (GRCh38, 1-based): chr17:72,121,406, C>G. VCF-style: chr17-72121406-C-G. GRCh37 (hg19) VCF-style: chr17-70117547-C-G.
Other names: short protein forms D5E.
Identifiers: ClinVar variation 2010712 (VCV002010712.4), dbSNP rs768210143, ClinGen allele CA8738859.
Genomic context (GRCh38, chr17:72,121,406, plus strand): 5'-GCTTCTCGCCTTTCCCGGCCACCAGCCCCCTGCCCCGGGCCCGCGTATGAATCTCCTGGA[C>G]CCCTTCATGAAGATGACCGACGAGCAGGAGAAGGGCCTGTCCGGCGCCCCCAGCCCCACC-3'
Protein context (NP_000337.1, residues 1-15): MNLL[Asp5Glu]PFMKMTDEQE